The following is an entry in ClinVar:

NM_004415.4(DSP):c.4780C>T (p.Leu1594=)

Gene: DSP (desmoplakin; plus strand). Cytogenetic location: 6p24.3.
Variant type: single nucleotide variant.
Coding change: c.4780C>T on transcript NM_004415.4 (MANE Select); coding-DNA position 4780, C replaced by T.
Protein change: p.Leu1594=; no amino-acid change (leucine 1594 retained).
Molecular consequence: synonymous variant. On other transcripts: intron variant (2).
Genome position (GRCh38, 1-based): chr6:7,580,970, C>T. VCF-style: chr6-7580970-C-T. GRCh37 (hg19) VCF-style: chr6-7581203-C-T.
Other names: c.4050+730C>T (NM_001319034.2); c.3582+1198C>T (NM_001008844.3).
Identifiers: ClinVar variation 767366 (VCV000767366.18), dbSNP rs149463707, ClinGen allele CA042851.
Genomic context (GRCh38, chr6:7,580,970, plus strand): 5'-GAAGAGGAGCTGAATCGGCTGAAGAGGACCGCGTCAGAAGACTCCTGCAAGAGGAAGAAG[C>T]TGGAGGAAGAGCTGGAAGGCATGAGGAGGTCGCTGAAGGAGCAAGCCATCAAAATCACCA-3'
Protein context (NP_004406.2, residues 1584-1604): ASEDSCKRKK[Leu1594=]EEELEGMRRS

ClinVar aggregate classification (germline): Likely benign. Review status: criteria provided, multiple submitters, no conflicts (2 of 4 stars). 5 submissions from 5 submitters: Likely benign (5). Last evaluated 2026-01-19.

Conditions:
Cardiovascular phenotype. Identifiers: MedGen CN230736.
Cardiomyopathy (CMYO). Also called: Cardiomyopathies. Identifiers: Orphanet 167848, MedGen C0878544, MONDO:0004994, HP:0001638. Inheritance: Various modes of inheritance.
Arrhythmogenic cardiomyopathy with wooly hair and keratoderma. Also called: Arrhythmogenic cardiomyopathy with woolly hair and keratoderma; PALMOPLANTAR KERATODERMA WITH LEFT VENTRICULAR CARDIOMYOPATHY AND WOOLLY HAIR; Carvajal syndrome; Dilated cardiomyopathy with woolly hair and keratoderma. Identifiers: Orphanet 65282, MedGen C1854063, MONDO:0011581, OMIM 605676.
Arrhythmogenic right ventricular dysplasia 8 (ARVD8). Also called: ARRHYTHMOGENIC RIGHT VENTRICULAR DYSPLASIA, FAMILIAL, 8; Arrhythmogenic Right Ventricular Dysplasia/Cardiomyopathy 8; ARRHYTHMOGENIC RIGHT VENTRICULAR CARDIOMYOPATHY 8. Identifiers: MedGen C1843896, MONDO:0011831, OMIM 607450.

Allele frequency attached by ClinVar (database versions not stated): gnomAD exomes 0.00001 and 0.00004; ExAC 0.00004; ESP Exome Variant Server 0.00008; gnomAD 0.00010 and 0.00011; TOPMed 0.00010.
gnomAD v4.1: 28 of 1,613,938 alleles (0.0017%); highest among the groups gnomAD compares: African/African-American, 0.036%; no homozygotes.

Submissions (5):

Labcorp Genetics (formerly Invitae), Labcorp
Classification: Likely benign for Arrhythmogenic cardiomyopathy with wooly hair and keratoderma; Arrhythmogenic right ventricular dysplasia 8. Last evaluated: 2026-01-19. Review status: criteria provided, single submitter. Criteria: Invitae Variant Classification Sherloc (09022015). Collection method: clinical testing. Allele origin: germline.

All of Us Research Program, National Institutes of Health
Classification: Likely benign for Arrhythmogenic cardiomyopathy with wooly hair and keratoderma. Last evaluated: 2023-09-17. Review status: criteria provided, single submitter. Criteria: ACMG Guidelines, 2015. Collection method: clinical testing. Allele origin: germline. Inheritance: Autosomal dominant inheritance. Observed: 3 variant alleles, 3 heterozygotes.
Comment: This study involves interpretation of variants in research participants for the purpose of population health screening. Participant phenotype was not available at the time of variant classification. Additional details can be found in publication PMID: 35346344, PMCID: PMC8962531

Color Diagnostics, LLC DBA Color Health
Classification: Likely benign for Cardiomyopathy. Last evaluated: 2022-11-06. Review status: criteria provided, single submitter. Criteria: ACMG Guidelines, 2015. Collection method: clinical testing. Allele origin: germline.

Ambry Genetics
Classification: Likely benign for Cardiovascular phenotype. Last evaluated: 2022-10-27. Review status: criteria provided, single submitter. Criteria: Ambry Variant Classification Scheme 2023. Collection method: clinical testing. Allele origin: germline.

GeneDx
Classification: Likely benign. Last evaluated: 2021-02-23. Review status: criteria provided, single submitter. Criteria: GeneDx Variant Classification Process June 2021. Collection method: clinical testing. Allele origin: germline. Affected: yes.